The following is an entry in ClinVar:

NM_206933.4(USH2A):c.2094C>T (p.Thr698=)

Gene: USH2A (usherin; minus strand). Cytogenetic location: 1q41.
Variant type: single nucleotide variant.
Coding change: c.2094C>T on transcript NM_206933.4 (MANE Select); coding-DNA position 2094, C replaced by T.
Protein change: p.Thr698=; no amino-acid change (threonine 698 retained).
Molecular consequence: synonymous variant.
Genome position (GRCh38, 1-based): chr1:216,250,976, G>A on the plus strand (C>T on the coding strand, the complement: USH2A is on the minus strand). VCF-style: chr1-216250976-G-A. GRCh37 (hg19) VCF-style: chr1-216424318-G-A.
Other names: c.2094C>T, p.Thr698= (NM_007123.6).
Identifiers: ClinVar variation 497394 (VCV000497394.26), dbSNP rs141489104, ClinGen allele CA1396308.
Genomic context (GRCh38, chr1:216,250,976, plus strand): 5'-TTTGCACTTGCACTGGCCTGAATTTTGGTGACAGGTAATATCTCCATCCACTGTCCCAGA[G>A]GTATTGCAGTTACAGGGACTGCAGCCATCAGGATCCAACTCTTGTAGATTGTAGAATCCA-3'
Protein context (NP_996816.3, residues 688-708): PDGCSPCNCN[Thr698=]SGTVDGDITC

ClinVar aggregate classification (germline): Benign/Likely benign. Review status: criteria provided, multiple submitters, no conflicts (2 of 4 stars). 9 submissions from 8 submitters: Benign (4); Likely benign (5). Last evaluated 2026-02-02.

Conditions:
Retinitis pigmentosa 39 (RP39). Identifiers: Orphanet 791, MedGen C3151138, MONDO:0013436, OMIM 613809.
Usher syndrome type 2A. Also called: USHER SYNDROME, TYPE IIA; RETINAL DISEASE IN USHER SYNDROME TYPE IIA, MODIFIER OF. Identifiers: Orphanet 231178, Orphanet 886, MedGen C1848634, MONDO:0010169, OMIM 276901.

Allele frequency attached by ClinVar (database versions not stated): gnomAD 0.00112; TOPMed 0.00128; 1000 Genomes Project 0.00140; ESP Exome Variant Server 0.00177; 1000 Genomes Project 30x 0.00187.
gnomAD v4.1: 351 of 1,614,052 alleles (0.022%); highest among the groups gnomAD compares: African/African-American, 0.42%; 2 homozygotes.

Submissions (9):

Labcorp Genetics (formerly Invitae), Labcorp
Classification: Benign. Last evaluated: 2026-02-02. Review status: criteria provided, single submitter. Criteria: Invitae Variant Classification Sherloc (09022015). Collection method: clinical testing. Allele origin: germline.

Women's Health and Genetics/Laboratory Corporation of America, LabCorp
Classification: Likely benign. Last evaluated: 2025-01-07. Review status: criteria provided, single submitter. Criteria: LabCorp Variant Classification Summary - May 2015. Collection method: clinical testing. Allele origin: germline.

Blueprint Genetics
Classification: Likely benign. Last evaluated: 2024-07-18. Review status: criteria provided, single submitter. Criteria: ACMG Guidelines, 2015. Collection method: clinical testing. Allele origin: germline.

Genome-Nilou Lab
Classification: Benign for Retinitis pigmentosa 39. Last evaluated: 2023-11-04. Review status: criteria provided, single submitter. Criteria: ACMG Guidelines, 2015. Collection method: clinical testing. Allele origin: germline. Affected: no.

Genome-Nilou Lab
Classification: Benign for Usher syndrome type 2A. Last evaluated: 2023-11-04. Review status: criteria provided, single submitter. Criteria: ACMG Guidelines, 2015. Collection method: clinical testing. Allele origin: germline. Affected: no.

GeneDx
Classification: Likely benign. Last evaluated: 2020-12-30. Review status: criteria provided, single submitter. Criteria: GeneDx Variant Classification Process June 2021. Collection method: clinical testing. Allele origin: germline. Affected: yes.

Laboratory for Molecular Medicine, Mass General Brigham Personalized Medicine
Classification: Benign. Last evaluated: 2016-12-22. Review status: criteria provided, single submitter. Criteria: LMM Criteria. Collection method: clinical testing. Allele origin: germline. Observed: 3 variant alleles.
Comment: p.Thr698Thr in Exon 12 of USH2A: This variant is not expected to have clinical s ignificance because it does not alter an amino acid residue, is not located with in the splice consensus sequence, and has been identified in 0.5% (48/10398) of African chromosomes by the Exome Aggregation Consortium (ExAC; dbSNP rs141489104).

Eurofins Ntd Llc (ga)
Classification: Likely benign. Last evaluated: 2016-11-03. Review status: criteria provided, single submitter. Criteria: EGL Classification Definitions 2015. Collection method: clinical testing. Allele origin: germline. Observed: 1 variant allele, 1 heterozygote.

Breakthrough Genomics
Classification: Likely benign. Review status: criteria provided, single submitter. Criteria: ACMG Guidelines, 2015. Collection method: not provided. Allele origin: germline. Inheritance: Autosomal recessive inheritance. Affected: yes.